The following is an entry in ClinVar:

ClinVar aggregate classification (germline): Uncertain significance (1 of 4 stars; one submission).

Submission:

CeGaT Center for Human Genetics Tuebingen
Classification: Uncertain significance. Last evaluated: 2024-02-01. Review status: criteria provided, single submitter. Criteria: CeGaT Center For Human Genetics Tuebingen Variant Classification Criteria Version 2. Collection method: clinical testing. Allele origin: germline. Affected: yes. Observed: 1 variant allele.
Comment: OFD1: PM2

NM_003611.3(OFD1):c.1248G>C (p.Gln416His)

Gene: OFD1 (OFD1 centriole and centriolar satellite protein; plus strand). Cytogenetic location: Xp22.2.
Variant type: single nucleotide variant.
Coding change: c.1248G>C on transcript NM_003611.3 (MANE Select); coding-DNA position 1248, G replaced by C.
Protein change: p.Gln416His; replaces glutamine 416 with histidine.
Molecular consequence: missense variant.
Genome position (GRCh38, 1-based): chrX:13,756,604, G>C. VCF-style: chrX-13756604-G-C. GRCh37 (hg19) VCF-style: chrX-13774723-G-C.
Other names: c.1128G>C, p.Gln376His (NM_001330209.2); c.828G>C, p.Gln276His (NM_001330210.2); short protein forms Q276H, Q376H, Q416H.
Identifiers: ClinVar variation 3024753 (VCV003024753.22), dbSNP rs2518910083, ClinGen allele CA412342542.
Genomic context (GRCh38, chrX:13,756,604, plus strand): 5'-TATTCAAATGTAAATTTTCCTTTTTGAATTTTAGCTTGAATTAGAGTCTGTCAAAGCCCA[G>C]TCTTTGGCAATAACAAAACAAAACCATATGCTGAATGAAAAGGTTAAAGAGATGAGTGAT-3'
Protein context (NP_003602.1, residues 406-426): LELELESVKA[Gln416His]SLAITKQNHM